The following is an entry in ClinVar:

ClinVar aggregate classification (germline): Uncertain significance. Review status: criteria provided, multiple submitters, no conflicts (2 of 4 stars). 2 submissions from 2 submitters: Uncertain significance (2). Last evaluated 2025-03-05.

Conditions:
Ichthyosis linearis circumflexa. Identifiers: MedGen C0265962, MONDO:0043106, HP:0025810.

gnomAD v4.1: 15 of 1,613,982 alleles (0.00093%); highest among the groups gnomAD compares: East Asian, 0.029%; no homozygotes.

Submissions (2):

GeneDx
Classification: Uncertain significance. Last evaluated: 2025-03-05. Review status: criteria provided, single submitter. Criteria: GeneDx Variant Classification Process June 2021. Collection method: clinical testing. Allele origin: germline. Affected: yes.
Comment: In silico analysis indicates that this missense variant does not alter protein structure/function; Has not been previously published as pathogenic or benign to our knowledge

Labcorp Genetics (formerly Invitae), Labcorp
Classification: Uncertain significance for Ichthyosis linearis circumflexa. Last evaluated: 2025-01-23. Review status: criteria provided, single submitter. Criteria: Invitae Variant Classification Sherloc (09022015). Collection method: clinical testing. Allele origin: germline.
Comment: This sequence change replaces glutamic acid, which is acidic and polar, with aspartic acid, which is acidic and polar, at codon 613 of the SPINK5 protein (p.Glu613Asp). This variant is present in population databases (rs199786670, gnomAD 0.02%). This variant has not been reported in the literature in individuals affected with SPINK5-related conditions. Invitae Evidence Modeling of protein sequence and biophysical properties (such as structural, functional, and spatial information, amino acid conservation, physicochemical variation, residue mobility, and thermodynamic stability) has been performed for this missense variant. However, the output from this modeling did not meet the statistical confidence thresholds required to predict the impact of this variant on SPINK5 protein function. In summary, the available evidence is currently insufficient to determine the role of this variant in disease. Therefore, it has been classified as a Variant of Uncertain Significance.

NM_006846.4(SPINK5):c.1839A>T (p.Glu613Asp)

Gene: SPINK5 (serine peptidase inhibitor Kazal type 5; plus strand). Cytogenetic location: 5q32.
Variant type: single nucleotide variant.
Coding change: c.1839A>T on transcript NM_006846.4 (MANE Select); coding-DNA position 1839, A replaced by T.
Protein change: p.Glu613Asp; replaces glutamic acid 613 with aspartic acid.
Molecular consequence: missense variant.
Genome position (GRCh38, 1-based): chr5:148,112,886, A>T. VCF-style: chr5-148112886-A-T. GRCh37 (hg19) VCF-style: chr5-147492449-A-T.
Other names: c.1839A>T, p.Glu613Asp (NM_001127698.2, NM_001127699.2); short protein forms E613D.
Identifiers: ClinVar variation 3615062 (VCV003615062.2).